The following is an entry in ClinVar:

ClinVar aggregate classification (germline): Uncertain significance (1 of 4 stars; one submission).

Conditions:
Menkes kinky-hair syndrome (MNK). Also called: Copper transport disease; Menkes Disease; Classic Menkes Disease. Identifiers: Orphanet 565, MedGen C0022716, MONDO:0010651, OMIM 309400.
Cutis laxa, X-linked (OHS). Also called: EDS IX; Occipital horn syndrome. Identifiers: Orphanet 198, MedGen C0268353, MONDO:0010572, OMIM 304150.
X-linked distal spinal muscular atrophy type 3. Also called: ATP7A-Related Distal Motor Neuropathy; SPINAL MUSCULAR ATROPHY, DISTAL, X-LINKED RECESSIVE; NEURONOPATHY, DISTAL HEREDITARY MOTOR, X-LINKED; NEUROPATHY, DISTAL HEREDITARY MOTOR, X-LINKED. Identifiers: Orphanet 139557, MedGen C1845359, MONDO:0010338, OMIM 300489.

Submission:

Labcorp Genetics (formerly Invitae), Labcorp
Classification: Uncertain significance for X-linked distal spinal muscular atrophy type 3; Cutis laxa, X-linked; Menkes kinky-hair syndrome. Last evaluated: 2022-07-05. Review status: criteria provided, single submitter. Criteria: Invitae Variant Classification Sherloc (09022015). Collection method: clinical testing. Allele origin: germline.
Comment: In summary, the available evidence is currently insufficient to determine the role of this variant in disease. Therefore, it has been classified as a Variant of Uncertain Significance. Advanced modeling of protein sequence and biophysical properties (such as structural, functional, and spatial information, amino acid conservation, physicochemical variation, residue mobility, and thermodynamic stability) performed at Invitae indicates that this missense variant is not expected to disrupt ATP7A protein function. This variant has not been reported in the literature in individuals affected with ATP7A-related conditions. This variant is not present in population databases (gnomAD no frequency). This sequence change replaces asparagine, which is neutral and polar, with aspartic acid, which is acidic and polar, at codon 1083 of the ATP7A protein (p.Asn1083Asp).

NM_000052.7(ATP7A):c.3247A>G (p.Asn1083Asp)

Gene: ATP7A (ATPase copper transporting alpha; plus strand). Cytogenetic location: Xq21.1.
Variant type: single nucleotide variant.
Coding change: c.3247A>G on transcript NM_000052.7 (MANE Select); coding-DNA position 3247, A replaced by G.
Protein change: p.Asn1083Asp; replaces asparagine 1083 with aspartic acid.
Molecular consequence: missense variant. On other transcripts: non-coding transcript variant (1).
Genome position (GRCh38, 1-based): chrX:78,031,535, A>G. VCF-style: chrX-78031535-A-G. GRCh37 (hg19) VCF-style: chrX-77287033-A-G.
Other names: c.3013A>G, p.Asn1005Asp (NM_001282224.2); short protein forms N1005D, N1083D.
Identifiers: ClinVar variation 1994154 (VCV001994154.4), dbSNP rs2522397316, ClinGen allele CA413603723.